The following is an entry in ClinVar:

NM_000169.3(GLA):c.1169dup (p.Lys391fs)

Genes: GLA (galactosidase alpha; minus strand), RPL36A-HNRNPH2 (RPL36A-HNRNPH2 readthrough; plus strand). Cytogenetic location: Xq22.1.
Variant type: Duplication.
Coding change: c.1169dup on transcript NM_000169.3 (MANE Select); coding-DNA position 1169, one base duplicated (T; older notation c.1169dupT).
Protein change: p.Lys391fs; shifts the reading frame from lysine 391.
Molecular consequence: frameshift variant. On other transcripts: non-coding transcript variant (3), intron variant (2).
Genome position (GRCh38, 1-based): chrX:101,397,930, A duplicated on the plus strand (T on the coding strand, the reverse complement: GLA is on the minus strand). VCF-style (leftmost placement, unchanged base first): chrX-101397929-C-CA. GRCh37 (hg19) VCF-style: chrX-100652917-C-CA.
Other names: c.1292dup, p.Lys432fs (NM_001406747.1); c.300+2473dup (NM_001199973.2); c.177+6108dup (NM_001199974.2); short protein forms K391fs, K432fs.
Identifiers: ClinVar variation 4087070 (VCV004087070.2).

ClinVar aggregate classification (germline): Pathogenic (1 of 4 stars; one submission).

Conditions:
Fabry disease. Also called: ALPHA-GALACTOSIDASE A DEFICIENCY; ANDERSON-FABRY DISEASE; CERAMIDE TRIHEXOSIDASE DEFICIENCY; GLA DEFICIENCY; HEREDITARY DYSTOPIC LIPIDOSIS; Angiokeratoma corporis diffusum. Identifiers: Orphanet 324, MedGen C0002986, MONDO:0010526, OMIM 301500, HP:0001071. Disease mechanism: Fabry disease is due to inactivating mutations in the X-linked GLA gene resulting in deficiency of the enzyme Alpha Galactosidase-A., loss of function.

Submission:

Genomenon, Inc
Classification: Pathogenic for Fabry disease. Last evaluated: 2026-09-08. Review status: criteria provided, single submitter. Criteria: Genomenon Sequence Variant Interpretation Standards - Updated. Collection method: curation. Allele origin: germline. Affected: yes.
Comment: GLA p.Lys391GlufsTer8 (c.1169dup) is a frameshift variant that is predicted to introduce a premature termination codon and result in a truncated or absent protein product. This variant has been observed in at least one proband with clinical features consistent with Fabry disease (PMID:33807900;39980015;37470867). Functional or patient cell studies have been reported (PMID:36087505;37470867). It is absent or not present at a significant frequency in gnomAD. In conclusion, we classify GLA p.Lys391GlufsTer8 (c.1169dup) as a pathogenic variant.

Literature cited by the submitters: PubMed 33807900; PubMed 39980015; PubMed 37470867; PubMed 36087505.